The following is an entry in ClinVar:

ClinVar aggregate classification (germline): Uncertain significance. Review status: criteria provided, multiple submitters, no conflicts (2 of 4 stars). 2 submissions from 2 submitters: Uncertain significance (2). Last evaluated 2023-12-27.

Conditions:
Retinitis pigmentosa 80 (RP80). Identifiers: MedGen C4540439, MONDO:0054708, OMIM 617781.
Saldino-Mainzer syndrome (SRTD9). Also called: short-rib thoracic dysplasia 9 with or without polydactyly; CONORENAL SYNDROME; Renal dysplasia, retinal pigmentary dystrophy, cerebellar ataxia and skeletal dysplasia; SHORT-RIB THORACIC DYSPLASIA 9 WITHOUT POLYDACTYLY. Identifiers: Orphanet 140969, MedGen C1849437, MONDO:0009964, OMIM 266920.

gnomAD v4.1: 6 of 1,605,170 alleles (0.00037%); highest among the groups gnomAD compares: African/African-American, 0.0013%; no homozygotes.

Submissions (2):

Fulgent Genetics
Classification: Uncertain significance for Saldino-Mainzer syndrome; Retinitis pigmentosa 80. Last evaluated: 2023-12-27. Review status: criteria provided, single submitter. Criteria: ACMG Guidelines, 2015. Collection method: clinical testing. Allele origin: germline.

Labcorp Genetics (formerly Invitae), Labcorp
Classification: Uncertain significance for Saldino-Mainzer syndrome. Last evaluated: 2022-05-20. Review status: criteria provided, single submitter. Criteria: Invitae Variant Classification Sherloc (09022015). Collection method: clinical testing. Allele origin: germline.
Comment: This sequence change replaces glutamine, which is neutral and polar, with arginine, which is basic and polar, at codon 667 of the IFT140 protein (p.Gln667Arg). This variant is not present in population databases (gnomAD no frequency). This variant has not been reported in the literature in individuals affected with IFT140-related conditions. Algorithms developed to predict the effect of missense changes on protein structure and function output the following: SIFT: "Tolerated"; PolyPhen-2: "Benign"; Align-GVGD: "Class C0". The arginine amino acid residue is found in multiple mammalian species, which suggests that this missense change does not adversely affect protein function. In summary, the available evidence is currently insufficient to determine the role of this variant in disease. Therefore, it has been classified as a Variant of Uncertain Significance.

NM_014714.4(IFT140):c.2000A>G (p.Gln667Arg)

Gene: IFT140 (intraflagellar transport 140; minus strand). Cytogenetic location: 16p13.3.
Variant type: single nucleotide variant.
Coding change: c.2000A>G on transcript NM_014714.4 (MANE Select); coding-DNA position 2000, A replaced by G.
Protein change: p.Gln667Arg; replaces glutamine 667 with arginine.
Molecular consequence: missense variant.
Genome position (GRCh38, 1-based): chr16:1,564,064, T>C on the plus strand (A>G on the coding strand, the complement: IFT140 is on the minus strand). VCF-style: chr16-1564064-T-C. GRCh37 (hg19) VCF-style: chr16-1614065-T-C.
Other names: short protein forms Q667R.
Identifiers: ClinVar variation 2202495 (VCV002202495.5), dbSNP rs2507258302, ClinGen allele CA394204897.